The following is an entry in ClinVar:

NM_000069.3(CACNA1S):c.2361-13C>T

Gene: CACNA1S (calcium voltage-gated channel subunit alpha1 S; minus strand). Cytogenetic location: 1q32.1.
Variant type: single nucleotide variant.
Coding change: c.2361-13C>T on transcript NM_000069.3 (MANE Select); 13 bases into the intron before coding-DNA position 2361, C replaced by T.
Molecular consequence: intron variant.
Genome position (GRCh38, 1-based): chr1:201,069,614, G>A on the plus strand (C>T on the coding strand, the complement: CACNA1S is on the minus strand). VCF-style: chr1-201069614-G-A. GRCh37 (hg19) VCF-style: chr1-201038742-G-A.
Identifiers: ClinVar variation 254813 (VCV000254813.18), dbSNP rs2182117, ClinGen allele CA078957.

ClinVar aggregate classification (germline): Benign/Likely benign. Review status: criteria provided, multiple submitters, no conflicts (2 of 4 stars). 11 submissions from 8 submitters: Benign (10); Likely benign (1). Last evaluated 2026-02-01.

Conditions:
Congenital myopathy 18. Also called: Myopathy, congenital, due to dihydropyridine receptor defect; DIHYDROPYRIDINE RECEPTOR CONGENITAL MYOPATHY; DHPR CONGENITAL MYOPATHY. Identifiers: MedGen C5830283, MONDO:0859514, OMIM 620246.
Hypokalemic periodic paralysis, type 1. Also called: Hypokalemic Periodic Paralysis Type 1 (AD); HypoPP. Identifiers: Orphanet 681, MedGen C3714580, MONDO:0042979, OMIM 170400.
Malignant hyperthermia, susceptibility to, 5 (MHS5). Also called: CACNA1S-Related Malignant Hyperthermia Susceptibility. Identifiers: Orphanet 423, MedGen C1866077, MONDO:0011163, OMIM 601887.
Thyrotoxic periodic paralysis, susceptibility to, 1 (TTPP1). Identifiers: Orphanet 79102, MedGen C2749982, MONDO:0008570, OMIM 188580.

Allele frequency attached by ClinVar (database versions not stated): gnomAD exomes 0.00152; ExAC 0.00300; 1000 Genomes Project 0.00619; gnomAD 0.00619 and 0.00658; ESP Exome Variant Server 0.00623; TOPMed 0.00710; 1000 Genomes Project 30x 0.00718.

Submissions (11):

Labcorp Genetics (formerly Invitae), Labcorp
Classification: Benign for Hypokalemic periodic paralysis, type 1; Malignant hyperthermia, susceptibility to, 5. Last evaluated: 2026-02-01. Review status: criteria provided, single submitter. Criteria: Invitae Variant Classification Sherloc (09022015). Collection method: clinical testing. Allele origin: germline.

Blueprint Genetics
Classification: Likely benign. Last evaluated: 2024-10-07. Review status: criteria provided, single submitter. Criteria: ACMG Guidelines, 2015. Collection method: clinical testing. Allele origin: germline.

All of Us Research Program, National Institutes of Health
Classification: Benign for Malignant hyperthermia, susceptibility to, 5. Last evaluated: 2024-02-05. Review status: criteria provided, single submitter. Criteria: ACMG Guidelines, 2015. Collection method: clinical testing. Allele origin: germline. Inheritance: Autosomal dominant inheritance. Observed: 388 variant alleles, 384 heterozygotes, 4 homozygotes.
Comment: This study involves interpretation of variants in research participants for the purpose of population health screening. Participant phenotype was not available at the time of variant classification. Additional details can be found in publication PMID: 35346344, PMCID: PMC8962531

Genome-Nilou Lab
Classification: Benign for Malignant hyperthermia, susceptibility to, 5. Last evaluated: 2023-04-11. Review status: criteria provided, single submitter. Criteria: ACMG Guidelines, 2015. Collection method: clinical testing. Allele origin: germline. Affected: no.

Genome-Nilou Lab
Classification: Benign for Thyrotoxic periodic paralysis, susceptibility to, 1. Last evaluated: 2023-04-11. Review status: criteria provided, single submitter. Criteria: ACMG Guidelines, 2015. Collection method: clinical testing. Allele origin: germline. Affected: no.

Genome-Nilou Lab
Classification: Benign for Congenital myopathy 18. Last evaluated: 2023-04-11. Review status: criteria provided, single submitter. Criteria: ACMG Guidelines, 2015. Collection method: clinical testing. Allele origin: germline. Affected: no.

Genome-Nilou Lab
Classification: Benign for Hypokalemic periodic paralysis, type 1. Last evaluated: 2023-04-11. Review status: criteria provided, single submitter. Criteria: ACMG Guidelines, 2015. Collection method: clinical testing. Allele origin: germline. Affected: no.

Color Diagnostics, LLC DBA Color Health
Classification: Benign for Malignant hyperthermia, susceptibility to, 5. Last evaluated: 2022-10-03. Review status: criteria provided, single submitter. Criteria: ACMG Guidelines, 2015. Collection method: clinical testing. Allele origin: germline.

GeneDx
Classification: Benign. Last evaluated: 2018-08-24. Review status: criteria provided, single submitter. Criteria: GeneDx Variant Classification Process June 2021. Collection method: clinical testing. Allele origin: germline. Affected: yes.

Illumina Laboratory Services, Illumina
Classification: Benign for Hypokalemic periodic paralysis, type 1. Last evaluated: 2018-01-12. Review status: criteria provided, single submitter. Criteria: ICSL Variant Classification Criteria 13 December 2019. Collection method: clinical testing. Allele origin: germline.
Comment: This variant was observed in the ICSL laboratory as part of a predisposition screen in an ostensibly healthy population. It had not been previously curated by ICSL or reported in the Human Gene Mutation Database (HGMD: prior to June 1st, 2018), and was therefore a candidate for classification through an automated scoring system. Utilizing variant allele frequency, disease prevalence and penetrance estimates, and inheritance mode, an automated score was calculated to assess if this variant is too frequent to cause the disease. Based on the score and internal cut-off values, a variant classified as benign is not then subjected to further curation. The score for this variant resulted in a classification of benign for this disease.

PreventionGenetics, part of Exact Sciences
Classification: Benign. Review status: criteria provided, single submitter. Criteria: ACMG Guidelines, 2015. Collection method: clinical testing. Allele origin: germline.